The following is an entry in ClinVar:

NM_001099857.5(IKBKG):c.652_662dup (p.Glu222fs)

Gene: IKBKG (inhibitor of nuclear factor kappa B kinase regulatory subunit gamma; plus strand). Cytogenetic location: Xq28.
Variant type: Duplication.
Coding change: c.652_662dup on transcript NM_001099857.5 (MANE Select); coding-DNA positions 652 to 662, 11 bases duplicated (CAGGCCGCCTC).
Protein change: p.Glu222fs; shifts the reading frame from glutamic acid 222.
Molecular consequence: frameshift variant. On other transcripts: intron variant (3).
Genome position (GRCh38, 1-based): chrX:154,560,540-154,560,550, CAGGCCGCCTC duplicated; duplicating any 11 consecutive bases within chrX:154,560,539-154,560,550 gives the same sequence; the c. name uses the placement nearest the transcript's 3' end. VCF-style (leftmost placement, unchanged base first): chrX-154560538-G-GCCAGGCCGCCT. GRCh37 (hg19) VCF-style: chrX-153788753-G-GCCAGGCCGCCT.
Other names: c.856_866dup, p.Glu290fs (NM_001099856.6); c.652_662dup, p.Glu222fs (NM_001321396.3, NM_001377312.1, NM_003639.4); c.649_659dup, p.Glu221fs (NM_001321397.3, NM_001377313.1); c.519-1148_519-1138dup (NM_001145255.4); c.516-1148_516-1138dup (NM_001377314.1); c.400-2270_400-2260dup (NM_001377315.1); short protein forms E222fs, E221fs, E290fs.
Identifiers: ClinVar variation 429392 (VCV000429392.2), dbSNP rs1557236517, ClinGen allele CA645369763.

ClinVar aggregate classification (germline): Pathogenic (1 of 4 stars; one submission).

Submission:

GeneDx
Classification: Pathogenic. Last evaluated: 2017-05-09. Review status: criteria provided, single submitter. Criteria: GeneDx Variant Classification (06012015). Collection method: clinical testing. Allele origin: germline. Affected: yes.
Comment: The c.652_662dup11 pathogenic variant causes a frameshift starting with codon Glutamate 222, changes this amino acid to a Arginine residue and creates a premature Stop codon at position 63 of the new reading frame, denoted p.Glu222ArgfsX63. This pathogenic variant is predicted to cause loss of normal protein function either through protein truncation or nonsense-mediated mRNA decay. Although this pathogenic variant has not been previously reported to our knowledge, its presence is consistent with the diagnosis of incontinentia pigmenti.